The following is an entry in ClinVar:

NM_003072.5(SMARCA4):c.4697A>T (p.Lys1566Met)

Gene: SMARCA4 (SWI/SNF related BAF chromatin remodeling complex subunit ATPase 4; plus strand). Cytogenetic location: 19p13.2.
Variant type: single nucleotide variant.
Coding change: c.4697A>T on transcript NM_003072.5 (MANE Select); coding-DNA position 4697, A replaced by T.
Protein change: p.Lys1566Met; replaces lysine 1566 with methionine.
Molecular consequence: missense variant. On other transcripts: non-coding transcript variant (1).
Genome position (GRCh38, 1-based): chr19:11,059,814, A>T. VCF-style: chr19-11059814-A-T. GRCh37 (hg19) VCF-style: chr19-11170490-A-T.
Other names: c.4697A>T, p.Lys1566Met (NM_001128844.3); c.4607A>T, p.Lys1536Met (NM_001128845.2); c.4604A>T, p.Lys1535Met (NM_001128846.2); c.4598A>T, p.Lys1533Met (NM_001128847.4, NM_001374457.1); c.4595A>T, p.Lys1532Met (NM_001128848.2); c.4793A>T, p.Lys1598Met (NM_001128849.3); short protein forms K1566M, K1598M, K1532M, K1533M, K1535M, K1536M.
Identifiers: ClinVar variation 835813 (VCV000835813.9), dbSNP rs2076752907, ClinGen allele CA404079425.
Genomic context (GRCh38, chr19:11,059,814, plus strand): 5'-TCTATGAAGACTCCATCGTCTTGCAGTCGGTCTTCACCAGCGTGCGGCAGAAAATCGAGA[A>T]GGAGGATGACAGTGAAGGCGAGGAGAGTGAGGAGGAGGAAGAGGGCGAGGAGGAAGGCTC-3'
Protein context (NP_003063.2, residues 1556-1576): VFTSVRQKIE[Lys1566Met]EDDSEGEESE

ClinVar aggregate classification (germline): Uncertain significance (1 of 4 stars; one submission).

Conditions:
Rhabdoid tumor predisposition syndrome 2 (RTPS2). Identifiers: Orphanet 231108, Orphanet 69077, MedGen C2750074, MONDO:0013224, OMIM 613325.

Submission:

Labcorp Genetics (formerly Invitae), Labcorp
Classification: Uncertain significance for Rhabdoid tumor predisposition syndrome 2. Last evaluated: 2019-03-12. Review status: criteria provided, single submitter. Criteria: Invitae Variant Classification Sherloc (09022015). Collection method: clinical testing. Allele origin: germline.
Comment: This variant has not been reported in the literature in individuals with SMARCA4-related conditions. This variant is not present in population databases (ExAC no frequency). This sequence change replaces lysine with methionine at codon 1598 of the SMARCA4 protein (p.Lys1598Met). The lysine residue is moderately conserved and there is a moderate physicochemical difference between lysine and methionine. Algorithms developed to predict the effect of missense changes on protein structure and function are either unavailable or do not agree on the potential impact of this missense change (SIFT: "Deleterious"; PolyPhen-2: "Possibly Damaging"; Align-GVGD: "Class C0"). In summary, the available evidence is currently insufficient to determine the role of this variant in disease. Therefore, it has been classified as a Variant of Uncertain Significance.